The following is an entry in ClinVar:

ClinVar aggregate classification (germline): Uncertain significance. Review status: criteria provided, multiple submitters, no conflicts (2 of 4 stars). 3 submissions from 3 submitters: Uncertain significance (3). Last evaluated 2024-07-19.

Conditions:
Hereditary cancer-predisposing syndrome. Also called: Neoplastic Syndromes, Hereditary; Hereditary Cancer Syndrome; Tumor predisposition; Hereditary neoplastic syndrome. Identifiers: Orphanet 140162, MedGen C0027672, MeSH D009386, MONDO:0015356.
Neuroblastoma, susceptibility to, 3. Also called: ALK-Related Neuroblastic Tumor Susceptibility. Identifiers: Orphanet 635, MedGen C2751681, MONDO:0013083, OMIM 613014.

Allele frequency attached by ClinVar (database versions not stated): gnomAD exomes below 0.00001; TOPMed below 0.00001; gnomAD 0.00001.
gnomAD v4.1: 3 of 1,614,022 alleles (0.00019%); highest among the groups gnomAD compares: Middle Eastern, 0.016%; no homozygotes.

Submissions (3):

Ambry Genetics
Classification: Uncertain significance for Hereditary cancer-predisposing syndrome. Last evaluated: 2024-07-19. Review status: criteria provided, single submitter. Criteria: Ambry Variant Classification Scheme 2023. Collection method: clinical testing. Allele origin: germline.
Comment: The p.P1153R variant (also known as c.3458C>G), located in coding exon 22 of the ALK gene, results from a C to G substitution at nucleotide position 3458. The proline at codon 1153 is replaced by arginine, an amino acid with dissimilar properties. This amino acid position is highly conserved in available vertebrate species. In addition, the in silico prediction for this alteration is inconclusive. Based on the available evidence, the clinical significance of this variant remains unclear.

Labcorp Genetics (formerly Invitae), Labcorp
Classification: Uncertain significance for Neuroblastoma, susceptibility to, 3. Last evaluated: 2024-05-16. Review status: criteria provided, single submitter. Criteria: Invitae Variant Classification Sherloc (09022015). Collection method: clinical testing. Allele origin: germline.
Comment: This sequence change replaces proline, which is neutral and non-polar, with arginine, which is basic and polar, at codon 1153 of the ALK protein (p.Pro1153Arg). This variant is present in population databases (no rsID available, gnomAD 0.0009%). This variant has not been reported in the literature in individuals affected with ALK-related conditions. ClinVar contains an entry for this variant (Variation ID: 1319120). An algorithm developed to predict the effect of missense changes on protein structure and function (PolyPhen-2) suggests that this variant is likely to be disruptive. In summary, the available evidence is currently insufficient to determine the role of this variant in disease. Therefore, it has been classified as a Variant of Uncertain Significance.

Institute for Clinical Genetics, University Hospital TU Dresden, University Hospital TU Dresden
Classification: Uncertain significance. Last evaluated: 2021-11-03. Review status: criteria provided, single submitter. Criteria: ACMG Guidelines, 2015. Collection method: clinical testing. Allele origin: germline.

NM_004304.5(ALK):c.3458C>G (p.Pro1153Arg)

Gene: ALK (ALK receptor tyrosine kinase; minus strand). Cytogenetic location: 2p23.2.
Variant type: single nucleotide variant.
Coding change: c.3458C>G on transcript NM_004304.5 (MANE Select); coding-DNA position 3458, C replaced by G.
Protein change: p.Pro1153Arg; replaces proline 1153 with arginine.
Molecular consequence: missense variant.
Genome position (GRCh38, 1-based): chr2:29,222,401, G>C on the plus strand (C>G on the coding strand, the complement: ALK is on the minus strand). VCF-style: chr2-29222401-G-C. GRCh37 (hg19) VCF-style: chr2-29445267-G-C.
Other names: c.254C>G, p.Pro85Arg (NM_001353765.2); short protein forms P1153R, P85R.
Identifiers: ClinVar variation 1319120 (VCV001319120.11), dbSNP rs917295547, ClinGen allele CA44631234.
Genomic context (GRCh38, chr2:29,222,401, plus strand): 5'-TACCTGATGATCAGGGCTTCCATGAGGAAATCCAGTTCGTCCTGTTCAGAGCACACTTCA[G>C]GCAGCGTCTGGGCAGAGAAGGGGAGGGTGGGGAGGAGGAGGAGGCTGTGAGCTGAGAACT-3'
Protein context (NP_004295.2, residues 1143-1163): SPLQVAVKTL[Pro1153Arg]EVCSEQDELD